The following is an entry in ClinVar:

NM_014974.3(DIP2C):c.784G>A (p.Val262Ile)

Genes: DIP2C (disco interacting protein 2 homolog C; minus strand), LOC126860807 (CDK7 strongly-dependent group 2 enhancer GRCh37_chr10:461462-462661; plus strand). Cytogenetic location: 10p15.3.
Variant type: single nucleotide variant.
Coding change: c.784G>A on transcript NM_014974.3 (MANE Select); coding-DNA position 784, G replaced by A.
Protein change: p.Val262Ile; replaces valine 262 with isoleucine.
Molecular consequence: missense variant.
Genome position (GRCh38, 1-based): chr10:415,844, C>T on the plus strand (G>A on the coding strand, the complement: DIP2C is on the minus strand). VCF-style: chr10-415844-C-T. GRCh37 (hg19) VCF-style: chr10-461784-C-T.
Other names: short protein forms V262I.
Identifiers: ClinVar variation 4075549 (VCV004075549.1).

ClinVar aggregate classification (germline): Uncertain significance (1 of 4 stars; one submission).

Submission:

GeneDx
Classification: Uncertain significance. Last evaluated: 2025-02-06. Review status: criteria provided, single submitter. Criteria: GeneDx Variant Classification Process June 2021. Collection method: clinical testing. Allele origin: germline. Affected: yes.
Comment: Not observed at significant frequency in large population cohorts (gnomAD); In silico analysis indicates that this missense variant does not alter protein structure/function; Has not been previously published as pathogenic or benign to our knowledge